The following is an entry in ClinVar:

ClinVar aggregate classification (germline): Uncertain significance. Review status: criteria provided, multiple submitters, no conflicts (2 of 4 stars). 2 submissions from 2 submitters: Uncertain significance (2). Last evaluated 2024-09-03.

Conditions:
Inborn genetic diseases. Identifiers: MedGen C0950123, MeSH D030342.

Allele frequency attached by ClinVar (database versions not stated): gnomAD exomes 0.00001; TOPMed below 0.00001; ExAC 0.00001; gnomAD 0.00001.
gnomAD v4.1: 9 of 1,613,778 alleles (0.00056%); highest among the groups gnomAD compares: Admixed American, 0.0017%; no homozygotes.

Submissions (2):

Ambry Genetics
Classification: Uncertain significance for Inborn genetic diseases. Last evaluated: 2024-09-03. Review status: criteria provided, single submitter. Criteria: Ambry Variant Classification Scheme 2023. Collection method: clinical testing. Allele origin: germline.

Labcorp Genetics (formerly Invitae), Labcorp
Classification: Uncertain significance. Last evaluated: 2022-08-07. Review status: criteria provided, single submitter. Criteria: Invitae Variant Classification Sherloc (09022015). Collection method: clinical testing. Allele origin: germline.
Comment: In summary, the available evidence is currently insufficient to determine the role of this variant in disease. Therefore, it has been classified as a Variant of Uncertain Significance. Algorithms developed to predict the effect of missense changes on protein structure and function (SIFT, PolyPhen-2, Align-GVGD) all suggest that this variant is likely to be tolerated. ClinVar contains an entry for this variant (Variation ID: 1447469). This variant has not been reported in the literature in individuals affected with GPC6-related conditions. This variant is present in population databases (rs772660087, gnomAD 0.003%). This sequence change replaces asparagine, which is neutral and polar, with lysine, which is basic and polar, at codon 289 of the GPC6 protein (p.Asn289Lys).

NM_005708.5(GPC6):c.867T>G (p.Asn289Lys)

Gene: GPC6 (glypican 6; plus strand). Cytogenetic location: 13q31.3.
Variant type: single nucleotide variant.
Coding change: c.867T>G on transcript NM_005708.5 (MANE Select); coding-DNA position 867, T replaced by G.
Protein change: p.Asn289Lys; replaces asparagine 289 with lysine.
Molecular consequence: missense variant.
Genome position (GRCh38, 1-based): chr13:94,027,884, T>G. VCF-style: chr13-94027884-T-G. GRCh37 (hg19) VCF-style: chr13-94680138-T-G.
Other names: c.867T>G (NM_005708.3); short protein forms N289K.
Identifiers: ClinVar variation 1447469 (VCV001447469.5), dbSNP rs772660087, ClinGen allele CA7016988.
Genomic context (GRCh38, chr13:94,027,884, plus strand): 5'-CTGTCTCAACGTCATGAAGGGCTGCTTGGCAAATCAGGCTGACCTCGACACAGAGTGGAA[T>G]CTGTTTATAGGTAAGAAGTGTTTAAATGGATCCGAGAACAGAGACGGGACAACAGCAAGT-3'
Protein context (NP_005699.1, residues 279-299): ANQADLDTEW[Asn289Lys]LFIDAMLLVA